The following is an entry in ClinVar:

ClinVar aggregate classification (germline): Uncertain significance (1 of 4 stars; one submission).

Conditions:
Duchenne muscular dystrophy (DMD). Also called: MUSCULAR DYSTROPHY, PSEUDOHYPERTROPHIC PROGRESSIVE, DUCHENNE TYPE; Duchenne Muscular Dystrophy (DMD). Identifiers: Orphanet 98896, MedGen C0013264, MONDO:0010679, OMIM 310200.

gnomAD v4.1: 1 of 1,205,492 alleles (0.000083%); no homozygotes.

Submission:

Labcorp Genetics (formerly Invitae), Labcorp
Classification: Uncertain significance for Duchenne muscular dystrophy. Last evaluated: 2024-10-23. Review status: criteria provided, single submitter. Criteria: Invitae Variant Classification Sherloc (09022015). Collection method: clinical testing. Allele origin: germline.
Comment: This sequence change falls in intron 36 of the DMD gene. It does not directly change the encoded amino acid sequence of the DMD protein. It affects a nucleotide within the consensus splice site. This variant is not present in population databases (gnomAD no frequency). This variant has not been reported in the literature in individuals affected with DMD-related conditions. ClinVar contains an entry for this variant (Variation ID: 2058435). Variants that disrupt the consensus splice site are a relatively common cause of aberrant splicing (PMID: 17576681, 9536098). Algorithms developed to predict the effect of sequence changes on RNA splicing suggest that this variant is not likely to affect RNA splicing. In summary, the available evidence is currently insufficient to determine the role of this variant in disease. Therefore, it has been classified as a Variant of Uncertain Significance.

Literature cited by the submitters: PubMed 17576681; PubMed 9536098.

NM_004006.3(DMD):c.5155-3T>C

Gene: DMD (dystrophin; minus strand). Cytogenetic location: Xp21.1.
Variant type: single nucleotide variant.
Coding change: c.5155-3T>C on transcript NM_004006.3 (MANE Select); 3 bases into the intron before coding-DNA position 5155, T replaced by C.
Molecular consequence: intron variant.
Genome position (GRCh38, 1-based): chrX:32,362,961, A>G on the plus strand (T>C on the coding strand, the complement: DMD is on the minus strand). VCF-style: chrX-32362961-A-G. GRCh37 (hg19) VCF-style: chrX-32381078-A-G.
Other names: c.5131-3T>C (NM_000109.4); c.1132-3T>C (NM_004011.4); c.1123-3T>C (NM_004012.4); c.5143-3T>C (NM_004009.3); c.4786-3T>C (NM_004010.3).
Identifiers: ClinVar variation 2058435 (VCV002058435.2), dbSNP rs2522505121, ClinGen allele CA2580100649.
Genomic context (GRCh38, chrX:32,362,961, plus strand): 5'-CTTGGTCACGTGTAGAGTCCACCTTTGGGCGTATGTCATTCAGTTCTGCCTTTAAACGCT[A>G]TATTCCATGAGCAAGAGATAGGACTTGAAGTTAGTAATTAATGAAGGTCAAGATAGAAAA-3'